The following is an entry in ClinVar:

NM_002049.4(GATA1):c.94dup (p.Val32fs)

Gene: GATA1 (GATA binding protein 1; plus strand). Cytogenetic location: Xp11.23.
Variant type: Duplication.
Coding change: c.94dup on transcript NM_002049.4 (MANE Select); coding-DNA position 94, one base duplicated (G; older notation c.94dupG).
Protein change: p.Val32fs; shifts the reading frame from valine 32.
Molecular consequence: frameshift variant.
Genome position (GRCh38, 1-based): chrX:48,791,203, G duplicated; the last of 4 consecutive G bases (chrX:48,791,200-48,791,203); duplicating any one gives the same sequence. VCF-style (leftmost placement, unchanged base first): chrX-48791199-A-AG. GRCh37 (hg19) VCF-style: chrX-48649606-A-AG.
Other names: c.94dupG (NM_002049.3); short protein forms V32fs.
Identifiers: ClinVar variation 566070 (VCV000566070.8), dbSNP rs1569499310, ClinGen allele CA891843588.
Genomic context (GRCh38, chrX:48,791,199, plus strand): 5'-GACCTCAGAGCCCCTCCCCCAGTTTGTGGATCCTGCTCTGGTGTCCTCCACACCAGAATC[A>AG]GGGGTTTTCTTCCCCTCTGGGCCTGAGGGCTTGGATGCAGCAGCTTCCTCCACTGCCCCG-3'

ClinVar aggregate classification (germline): Pathogenic (1 of 4 stars; one submission).

Conditions:
Diamond-Blackfan anemia. Also called: Blackfan Diamond syndrome; Aregenerative anemia chronic congenital; Red cell aplasia, pure hereditary; Congenital hypoplastic anemia; Aase syndrome. Identifiers: Orphanet 124, MedGen C1260899, MeSH D029503, MONDO:0015253, HP:0004810.
GATA binding protein 1 related thrombocytopenia with dyserythropoiesis. Also called: GATA1-Related X-Linked Cytopenia; GATA1-Related Cytopenia. Identifiers: MedGen C1845837, MONDO:0100089.

Submission:

Labcorp Genetics (formerly Invitae), Labcorp
Classification: Pathogenic for GATA binding protein 1 related thrombocytopenia with dyserythropoiesis; Diamond-Blackfan anemia. Last evaluated: 2018-03-26. Review status: criteria provided, single submitter. Criteria: Invitae Variant Classification Sherloc (09022015). Collection method: clinical testing. Allele origin: germline.
Comment: This sequence change creates a premature translational stop signal (p.Val32Glyfs*8) in the GATA1 gene. It is expected to result in an absent or disrupted protein product. This variant is not present in population databases (ExAC no frequency). This variant has not been reported in the literature in individuals with GATA1-related disease. Loss-of-function variants in GATA1 are known to be pathogenic (PMID: 16783379, 22706301, 23704091, 24453067). For these reasons, this variant has been classified as Pathogenic.

Literature cited by the submitters: PubMed 16783379; PubMed 22706301; PubMed 23704091; PubMed 24453067.